The following is an entry in ClinVar:

NM_000059.4(BRCA2):c.3403T>C (p.Tyr1135His)

Gene: BRCA2 (BRCA2 DNA repair associated; plus strand). Cytogenetic location: 13q13.1.
Variant type: single nucleotide variant.
Coding change: c.3403T>C on transcript NM_000059.4 (MANE Select); coding-DNA position 3403, T replaced by C.
Protein change: p.Tyr1135His; replaces tyrosine 1135 with histidine.
Molecular consequence: missense variant.
Genome position (GRCh38, 1-based): chr13:32,337,758, T>C. VCF-style: chr13-32337758-T-C. GRCh37 (hg19) VCF-style: chr13-32911895-T-C.
Other names: short protein forms Y1135H.
Identifiers: ClinVar variation 51457 (VCV000051457.4), dbSNP rs80358583, ClinGen allele CA017950.
Genomic context (GRCh38, chr13:32,337,758, plus strand): 5'-TCTACTATATTAGAAGAATCAGGAAGTCAGTTTGAATTTACTCAGTTTAGAAAACCAAGC[T>C]ACATATTGCAGAAGAGTACATTTGAAGTGCCTGAAAACCAGATGACTATCTTAAAGACCA-3'
Protein context (NP_000050.3, residues 1125-1145): FEFTQFRKPS[Tyr1135His]ILQKSTFEVP

ClinVar aggregate classification (germline): Likely benign. Review status: criteria provided, single submitter (1 of 4 stars). 2 submissions from 2 submitters: Likely benign (1). 1 of the submissions does not count toward it. Last evaluated 2023-03-23.

Conditions:
Breast-ovarian cancer, familial, susceptibility to, 2 (BROVCA2). Also called: BRCA2 Hereditary Breast and Ovarian Cancer. Identifiers: Orphanet 145, MedGen C2675520, MONDO:0012933, OMIM 612555. Disease mechanism: loss of function.
Hereditary cancer-predisposing syndrome. Also called: Neoplastic Syndromes, Hereditary; Tumor predisposition; Hereditary Cancer Syndrome; Hereditary neoplastic syndrome. Identifiers: Orphanet 140162, MedGen C0027672, MeSH D009386, MONDO:0015356.

Submissions (2):

University of Washington Department of Laboratory Medicine, University of Washington
Classification: Likely benign for Hereditary cancer-predisposing syndrome. Last evaluated: 2023-03-23. Review status: criteria provided, single submitter. Criteria: Dines et al. (Genet Med. 2020). Collection method: curation. Allele origin: germline.
Comment: Missense variant in a coldspot region where missense variants are very unlikely to be pathogenic (PMID:31911673).

BRCA2 exon 11 coldspot. Reclassification based on statistical prior probability.

Breast Cancer Information Core (BIC) (BRCA2)
Classification: Uncertain significance for Breast-ovarian cancer, familial 2. Review status: no assertion criteria provided. Collection method: clinical testing. Allele origin: germline. Affected: yes. Observed: 1 variant allele. Not counted in ClinVar's aggregate classification.